The following is an entry in ClinVar:

NM_021072.4(HCN1):c.1975C>T (p.Arg659Cys)

Gene: HCN1 (hyperpolarization activated cyclic nucleotide gated potassium channel 1; minus strand). Cytogenetic location: 5p12.
Variant type: single nucleotide variant.
Coding change: c.1975C>T on transcript NM_021072.4 (MANE Select); coding-DNA position 1975, C replaced by T.
Protein change: p.Arg659Cys; replaces arginine 659 with cysteine.
Molecular consequence: missense variant.
Genome position (GRCh38, 1-based): chr5:45,262,619, G>A on the plus strand (C>T on the coding strand, the complement: HCN1 is on the minus strand). VCF-style: chr5-45262619-G-A. GRCh37 (hg19) VCF-style: chr5-45262721-G-A.
Other names: short protein forms R659C.
Identifiers: ClinVar variation 662493 (VCV000662493.12), dbSNP rs745561895, ClinGen allele CA3259187.

ClinVar aggregate classification (germline): Uncertain significance. Review status: criteria provided, multiple submitters, no conflicts (2 of 4 stars). 3 submissions from 3 submitters: Uncertain significance (3). Last evaluated 2024-01-22.

Conditions:
Early-infantile DEE. Also called: Early infantile epileptic encephalopathy; Early infantile epileptic encephalopathy with suppression bursts; Ohtahara syndrome. Identifiers: Orphanet 1934, MedGen C0393706, MONDO:0800491.

Allele frequency attached by ClinVar (database versions not stated): gnomAD exomes 0.00001 and 0.00002; ExAC 0.00002.
gnomAD v4.1: 19 of 1,613,874 alleles (0.0012%); highest among the groups gnomAD compares: Middle Eastern, 0.016%; no homozygotes.

Submissions (3):

Labcorp Genetics (formerly Invitae), Labcorp
Classification: Uncertain significance for Early-infantile DEE. Last evaluated: 2024-01-22. Review status: criteria provided, single submitter. Criteria: Invitae Variant Classification Sherloc (09022015). Collection method: clinical testing. Allele origin: germline.
Comment: This sequence change replaces arginine, which is basic and polar, with cysteine, which is neutral and slightly polar, at codon 659 of the HCN1 protein (p.Arg659Cys). This variant is present in population databases (rs745561895, gnomAD 0.006%). This variant has not been reported in the literature in individuals affected with HCN1-related conditions. ClinVar contains an entry for this variant (Variation ID: 662493). Advanced modeling of protein sequence and biophysical properties (such as structural, functional, and spatial information, amino acid conservation, physicochemical variation, residue mobility, and thermodynamic stability) performed at Invitae indicates that this missense variant is not expected to disrupt HCN1 protein function with a negative predictive value of 80%. In summary, the available evidence is currently insufficient to determine the role of this variant in disease. Therefore, it has been classified as a Variant of Uncertain Significance.

GeneDx
Classification: Uncertain significance. Last evaluated: 2021-06-11. Review status: criteria provided, single submitter. Criteria: GeneDx Variant Classification Process June 2021. Collection method: clinical testing. Allele origin: germline. Affected: yes.
Comment: In silico analysis supports that this missense variant does not alter protein structure/function; Has not been previously published as pathogenic or benign to our knowledge; This variant is associated with the following publications: (PMID: 27535533)

Blueprint Genetics
Classification: Uncertain significance. Last evaluated: 2019-12-13. Review status: criteria provided, single submitter. Criteria: ACMG Guidelines, 2015. Collection method: clinical testing. Allele origin: germline.